The following is an entry in ClinVar:

NM_013254.4(TBK1):c.1475C>G (p.Ala492Gly)

Gene: TBK1 (TANK binding kinase 1; plus strand). Cytogenetic location: 12q14.2.
Variant type: single nucleotide variant.
Coding change: c.1475C>G on transcript NM_013254.4 (MANE Select); coding-DNA position 1475, C replaced by G.
Protein change: p.Ala492Gly; replaces alanine 492 with glycine.
Molecular consequence: missense variant.
Genome position (GRCh38, 1-based): chr12:64,490,073, C>G. VCF-style: chr12-64490073-C-G. GRCh37 (hg19) VCF-style: chr12-64883853-C-G.
Other names: short protein forms A492G.
Identifiers: ClinVar variation 1964129 (VCV001964129.5), dbSNP rs2040854843, ClinGen allele CA385602951.
Genomic context (GRCh38, chr12:64,490,073, plus strand): 5'-TAATTTTCTCTTTTGACTTTTCATACAGATATGAAAAGTTGATGAAGATCAACCTGGAAG[C>G]GGCAGAGTTAGGTGAAATTTCAGACATACACACCAAATTGTTGAGAGTAAGTGTTTACAA-3'
Protein context (NP_037386.1, residues 482-502): YEKLMKINLE[Ala492Gly]AELGEISDIH

ClinVar aggregate classification (germline): Uncertain significance (1 of 4 stars; one submission).

Conditions:
Frontotemporal dementia and/or amyotrophic lateral sclerosis 4. Also called: FTDALS4. Identifiers: Orphanet 275872, MedGen C4225325, MONDO:0014641, OMIM 616439.

Submission:

Labcorp Genetics (formerly Invitae), Labcorp
Classification: Uncertain significance for Frontotemporal dementia and/or amyotrophic lateral sclerosis 4. Last evaluated: 2022-10-07. Review status: criteria provided, single submitter. Criteria: Invitae Variant Classification Sherloc (09022015). Collection method: clinical testing. Allele origin: germline.
Comment: In summary, the available evidence is currently insufficient to determine the role of this variant in disease. Therefore, it has been classified as a Variant of Uncertain Significance. Advanced modeling of protein sequence and biophysical properties (such as structural, functional, and spatial information, amino acid conservation, physicochemical variation, residue mobility, and thermodynamic stability) performed at Invitae indicates that this missense variant is not expected to disrupt TBK1 protein function. This variant has not been reported in the literature in individuals affected with TBK1-related conditions. This variant is not present in population databases (gnomAD no frequency). This sequence change replaces alanine, which is neutral and non-polar, with glycine, which is neutral and non-polar, at codon 492 of the TBK1 protein (p.Ala492Gly).